The following is an entry in ClinVar:

ClinVar aggregate classification (germline): Benign/Likely benign. Review status: criteria provided, multiple submitters, no conflicts (2 of 4 stars). 5 submissions from 5 submitters: Benign (1); Likely benign (4). Last evaluated 2025-03-26.

Conditions:
Peutz-Jeghers syndrome (PJS). Also called: POLYPOSIS, HAMARTOMATOUS INTESTINAL; POLYPS-AND-SPOTS SYNDROME; Peutz-Jeghers polyposis; Periorificial lentiginosis syndrome. Identifiers: Orphanet 2869, MedGen C0031269, MeSH D010580, MONDO:0008280, OMIM 175200.
Hereditary cancer-predisposing syndrome. Also called: Neoplastic Syndromes, Hereditary; Tumor predisposition; Hereditary Cancer Syndrome; Hereditary neoplastic syndrome. Identifiers: Orphanet 140162, MedGen C0027672, MeSH D009386, MONDO:0015356.

Submissions (5):

Myriad Genetics, Inc.
Classification: Benign for Peutz-Jeghers syndrome. Last evaluated: 2025-03-26. Review status: criteria provided, single submitter. Criteria: Myriad Autosomal Dominant, Autosomal Recessive and X-Linked Classification Criteria (2023). Collection method: clinical testing. Allele origin: unknown.
Comment: This variant is considered benign. This variant is a silent/synonymous amino acid change and it is not expected to impact splicing.

All of Us Research Program, National Institutes of Health
Classification: Likely benign for Peutz-Jeghers syndrome. Last evaluated: 2023-08-08. Review status: criteria provided, single submitter. Criteria: ACMG Guidelines, 2015. Collection method: clinical testing. Allele origin: germline. Inheritance: Autosomal dominant inheritance. Observed: 1 variant allele, 1 heterozygote.
Comment: This study involves interpretation of variants in research participants for the purpose of population health screening. Participant phenotype was not available at the time of variant classification. Additional details can be found in publication PMID: 35346344, PMCID: PMC8962531

Women's Health and Genetics/Laboratory Corporation of America, LabCorp
Classification: Likely benign. Last evaluated: 2023-05-22. Review status: criteria provided, single submitter. Criteria: LabCorp Variant Classification Summary - May 2015. Collection method: clinical testing. Allele origin: germline.
Comment: Variant summary: STK11 c.490C>T alters a non-conserved nucleotide resulting in a synonymous change. 4/4 computational tools predict no significant impact on normal splicing. However, these predictions have yet to be confirmed by functional studies. The variant was absent in 231398 control chromosomes (gnomAD). The available data on variant occurrences in the general population are insufficient to allow any conclusion about variant significance. To our knowledge, no occurrence of c.490C>T in individuals affected with Peutz-Jeghers Syndrome and no experimental evidence demonstrating its impact on protein function have been reported. Two clinical diagnostic laboratories have submitted clinical-significance assessments for this variant to ClinVar after 2014 without evidence for independent evaluation and both classified the variant as likely benign. Based on the evidence outlined above, the variant was classified as likely benign.

Labcorp Genetics (formerly Invitae), Labcorp
Classification: Likely benign for Peutz-Jeghers syndrome. Last evaluated: 2022-03-16. Review status: criteria provided, single submitter. Criteria: Invitae Variant Classification Sherloc (09022015). Collection method: clinical testing. Allele origin: germline.

Ambry Genetics
Classification: Likely benign for Hereditary cancer-predisposing syndrome. Last evaluated: 2022-02-12. Review status: criteria provided, single submitter. Criteria: Ambry Variant Classification Scheme 2023. Collection method: clinical testing. Allele origin: germline.

NM_000455.5(STK11):c.490C>T (p.Leu164=)

Gene: STK11 (serine/threonine kinase 11; plus strand). Cytogenetic location: 19p13.3.
Variant type: single nucleotide variant.
Coding change: c.490C>T on transcript NM_000455.5 (MANE Select); coding-DNA position 490, C replaced by T.
Protein change: p.Leu164=; no amino-acid change (leucine 164 retained).
Molecular consequence: synonymous variant. On other transcripts: non-coding transcript variant (1).
Genome position (GRCh38, 1-based): chr19:1,220,398, C>T. VCF-style: chr19-1220398-C-T. GRCh37 (hg19) VCF-style: chr19-1220397-C-T.
Other names: c.490C>T, p.Leu164= (NM_001407255.1).
Identifiers: ClinVar variation 1744032 (VCV001744032.10), dbSNP rs2080774116, ClinGen allele CA089409.